The following is an entry in ClinVar:

NM_033305.3(VPS13A):c.928C>T (p.Gln310Ter)

Gene: VPS13A (vacuolar protein sorting 13 homolog A; plus strand). Cytogenetic location: 9q21.2.
Variant type: single nucleotide variant.
Coding change: c.928C>T on transcript NM_033305.3 (MANE Select); coding-DNA position 928, C replaced by T.
Protein change: p.Gln310Ter; replaces glutamine 310 with a stop codon.
Molecular consequence: nonsense.
Genome position (GRCh38, 1-based): chr9:77,220,322, C>T. VCF-style: chr9-77220322-C-T. GRCh37 (hg19) VCF-style: chr9-79835238-C-T.
Other names: c.928C>T, p.Gln310Ter (NM_001018037.2, NM_001018038.3, NM_015186.4); short protein forms Q310*.
Identifiers: ClinVar variation 5011181 (VCV005011181.1).

ClinVar aggregate classification (germline): Pathogenic (1 of 4 stars; one submission).

Conditions:
VPS13A-related neurodegenerative disease. Also called: ACANTHOCYTOSIS WITH NEUROLOGIC DISORDER; LEVINE-CRITCHLEY SYNDROME; Choreoacanthocytosis; Chorea-acanthocytosis; Choreaacanthocytosis; VPS13A Disease. Identifiers: Orphanet 2388, MedGen C0393576, MONDO:0008695, OMIM 200150.

Submission:

Myriad Genetics, Inc.
Classification: Pathogenic for VPS13A-related neurodegenerative disease. Last evaluated: 2024-05-14. Review status: criteria provided, single submitter. Criteria: Myriad Autosomal Dominant, Autosomal Recessive and X-Linked Classification Criteria (2023). Collection method: clinical testing. Allele origin: unknown.
Comment: NM_033305.2(VPS13A):c.928C>T(Q310*) is expected to be pathogenic in the context of VPS13A disease. This variant is predicted to lead to an abnormal or absent protein product due to the creation of a premature termination codon in VPS13A, a gene where loss-of-function variants are known to be pathogenic. Please note: this variant was assessed in the context of healthy population screening.